The following is an entry in ClinVar:

ClinVar aggregate classification (germline): Uncertain significance (1 of 4 stars; one submission).

Conditions:
Cardiovascular phenotype. Identifiers: MedGen CN230736.
Hereditary cancer-predisposing syndrome. Also called: Hereditary Cancer Syndrome; Neoplastic Syndromes, Hereditary; Tumor predisposition; Hereditary neoplastic syndrome. Identifiers: Orphanet 140162, MedGen C0027672, MeSH D009386, MONDO:0015356.

Submission:

Ambry Genetics
Classification: Uncertain significance for Cardiovascular phenotype; Hereditary cancer-predisposing syndrome. Last evaluated: 2025-12-11. Review status: criteria provided, single submitter. Criteria: Ambry Variant Classification Scheme 2023. Collection method: clinical testing. Allele origin: germline.
Comment: The p.I396M variant (also known as c.1188C>G), located in coding exon 11 of the NF1 gene, results from a C to G substitution at nucleotide position 1188. The isoleucine at codon 396 is replaced by methionine, an amino acid with highly similar properties. This amino acid position is not well conserved in available vertebrate species. In addition, this alteration is predicted to be tolerated by in silico analysis. Based on the available evidence, the clinical significance of this variant remains unclear.

NM_001042492.3(NF1):c.1188C>G (p.Ile396Met)

Gene: NF1 (neurofibromin 1; plus strand). Cytogenetic location: 17q11.2.
Variant type: single nucleotide variant.
Coding change: c.1188C>G on transcript NM_001042492.3 (MANE Select); coding-DNA position 1188, C replaced by G.
Protein change: p.Ile396Met; replaces isoleucine 396 with methionine.
Molecular consequence: missense variant.
Genome position (GRCh38, 1-based): chr17:31,201,413, C>G. VCF-style: chr17-31201413-C-G. GRCh37 (hg19) VCF-style: chr17-29528431-C-G.
Other names: c.1188C>G, p.Ile396Met (NM_000267.4, NM_001128147.3); short protein forms I396M.
Identifiers: ClinVar variation 1743961 (VCV001743961.3), dbSNP rs775109720, ClinGen allele CA398997415.